The following is an entry in ClinVar:

NM_001005273.3(CHD3):c.3910C>T (p.Arg1304Ter)

Gene: CHD3 (chromodomain helicase DNA binding protein 3; plus strand). Cytogenetic location: 17p13.1.
Variant type: single nucleotide variant.
Coding change: c.3910C>T on transcript NM_001005273.3 (MANE Select); coding-DNA position 3910, C replaced by T.
Protein change: p.Arg1304Ter; replaces arginine 1304 with a stop codon.
Molecular consequence: nonsense.
Genome position (GRCh38, 1-based): chr17:7,904,457, C>T. VCF-style: chr17-7904457-C-T. GRCh37 (hg19) VCF-style: chr17-7807775-C-T.
Other names: c.4087C>T, p.Arg1363Ter (NM_001005271.3); c.3910C>T, p.Arg1304Ter (NM_005852.4); c.4087C>T (NM_001005271.2); short protein forms R1304*, R1363*.
Identifiers: ClinVar variation 3063588 (VCV003063588.3), dbSNP rs2545030956, ClinGen allele CA397944064.

ClinVar aggregate classification (germline): Conflicting classifications of pathogenicity. Review status: criteria provided, conflicting classifications (1 of 4 stars). 2 submissions from 2 submitters: Likely pathogenic (1); Uncertain significance (1). Last evaluated 2024-10-07.

Conditions:
Snijders Blok-Campeau syndrome. Also called: INTELLECTUAL DEVELOPMENTAL DISORDER WITH MACROCEPHALY, SPEECH DELAY, AND DYSMORPHIC FACIES. Identifiers: Orphanet 599082, MedGen C4748701, MONDO:0032600, OMIM 618205.

Allele frequency attached by ClinVar (database versions not stated): gnomAD exomes below 0.00001.
gnomAD v4.1: 1 of 1,612,976 alleles (0.000062%); highest among the groups gnomAD compares: East Asian, 0.0022%; no homozygotes.

Submissions (2):

GeneDx
Classification: Likely pathogenic. Last evaluated: 2024-10-07. Review status: criteria provided, single submitter. Criteria: GeneDx Variant Classification Process June 2021. Collection method: clinical testing. Allele origin: germline.
Comment: Previously reported as R1304* in a proband with clinical features of CHD3-related neurodevelopmental disorder who also had a de novo copy number variant of uncertain clinical significance; the R1304* variant was inherited from the mildly affected mother (PMID: 35346573); Nonsense variant predicted to result in protein truncation or nonsense mediated decay in a gene for which loss of function is a known mechanism of disease; Not observed at significant frequency in large population cohorts (gnomAD); This variant is associated with the following publications: (PMID: 35346573)

Institute of Immunology and Genetics Kaiserslautern
Classification: Uncertain significance for Snijders Blok-Campeau syndrome. Last evaluated: 2024-03-15. Review status: criteria provided, single submitter. Criteria: ACMG Guidelines, 2015. Collection method: clinical testing. Allele origin: paternal.
Comment: ACMG Criteria: PM2_P, PVS1_M; Variant was found in heterozygous state